The following is an entry in ClinVar:

NM_004035.7(ACOX1):c.1320T>C (p.Asp440=)

Gene: ACOX1 (acyl-CoA oxidase 1; minus strand). Cytogenetic location: 17q25.1.
Variant type: single nucleotide variant.
Coding change: c.1320T>C on transcript NM_004035.7 (MANE Select); coding-DNA position 1320, T replaced by C.
Protein change: p.Asp440=; no amino-acid change (aspartic acid 440 retained).
Molecular consequence: synonymous variant.
Genome position (GRCh38, 1-based): chr17:75,949,876, A>G on the plus strand (T>C on the coding strand, the complement: ACOX1 is on the minus strand). VCF-style: chr17-75949876-A-G. GRCh37 (hg19) VCF-style: chr17-73945957-A-G.
Other names: c.1206T>C, p.Asp402= (NM_001185039.2); c.1320T>C, p.Asp440= (NM_007292.6).
Identifiers: ClinVar variation 259220 (VCV000259220.21), dbSNP rs8065946, ClinGen allele CA8776797.

ClinVar aggregate classification (germline): Benign. Review status: criteria provided, multiple submitters, no conflicts (2 of 4 stars). 7 submissions from 7 submitters: Benign (5). 2 of the submissions do not count toward it. Last evaluated 2026-02-02.

Conditions:
Acyl-CoA oxidase deficiency. Also called: STRAIGHT-CHAIN ACYL-CoA OXIDASE DEFICIENCY; Pseudoneonatal adrenoleukodystrophy; Peroxisomal acyl-CoA oxidase deficiency. Identifiers: Orphanet 2971, MedGen C1849678, MONDO:0009919, OMIM 264470. Disease mechanism: loss of function.

Allele frequency attached by ClinVar (database versions not stated): 1000 Genomes Project 0.07169; 1000 Genomes Project 30x 0.07636; ESP Exome Variant Server 0.07158; gnomAD 0.06791 and 0.06393; gnomAD exomes 0.00858 and 0.02013; ExAC 0.02251; TOPMed 0.07196.
gnomAD v4.1: 23,031 of 1,614,130 alleles (1.4%); highest among the groups gnomAD compares: African/African-American, 21%; 1,854 homozygotes.

Submissions (7):

Labcorp Genetics (formerly Invitae), Labcorp
Classification: Benign for Acyl-CoA oxidase deficiency. Last evaluated: 2026-02-02. Review status: criteria provided, single submitter. Criteria: Invitae Variant Classification Sherloc (09022015). Collection method: clinical testing. Allele origin: germline.

GeneDx
Classification: Benign. Last evaluated: 2018-09-11. Review status: criteria provided, single submitter. Criteria: GeneDx Variant Classification Process June 2021. Collection method: clinical testing. Allele origin: germline. Affected: yes.

Illumina Laboratory Services, Illumina
Classification: Benign for Acyl-CoA oxidase deficiency. Last evaluated: 2018-01-12. Review status: criteria provided, single submitter. Criteria: ICSL Variant Classification Criteria 13 December 2019. Collection method: clinical testing. Allele origin: germline.
Comment: This variant was observed in the ICSL laboratory as part of a predisposition screen in an ostensibly healthy population. It had not been previously curated by ICSL or reported in the Human Gene Mutation Database (HGMD: prior to June 1st, 2018), and was therefore a candidate for classification through an automated scoring system. Utilizing variant allele frequency, disease prevalence and penetrance estimates, and inheritance mode, an automated score was calculated to assess if this variant is too frequent to cause the disease. Based on the score and internal cut-off values, a variant classified as benign is not then subjected to further curation. The score for this variant resulted in a classification of benign for this disease.

Breakthrough Genomics
Classification: Benign. Review status: criteria provided, single submitter. Criteria: ACMG Guidelines, 2015. Collection method: not provided. Allele origin: germline. Inheritance: Autosomal recessive inheritance. Affected: yes.

PreventionGenetics, part of Exact Sciences
Classification: Benign. Review status: criteria provided, single submitter. Criteria: ACMG Guidelines, 2015. Collection method: clinical testing. Allele origin: germline.

Natera, Inc.
Classification: Benign for Peroxisomal acyl CoA oxidase deficiency. Last evaluated: 2020-09-16. Review status: no assertion criteria provided. Collection method: clinical testing. Allele origin: germline. Not counted in ClinVar's aggregate classification.

Mayo Clinic Laboratories, Mayo Clinic
Classification: Benign. Last evaluated: 2015-12-16. Review status: no assertion criteria provided. Collection method: clinical testing. Allele origin: unknown. Not counted in ClinVar's aggregate classification.